The following is an entry in ClinVar:

NM_015040.4(PIKFYVE):c.2894C>T (p.Ala965Val)

Gene: PIKFYVE (phosphoinositide kinase, FYVE-type zinc finger containing; plus strand). Cytogenetic location: 2q34.
Variant type: single nucleotide variant.
Coding change: c.2894C>T on transcript NM_015040.4 (MANE Select); coding-DNA position 2894, C replaced by T.
Protein change: p.Ala965Val; replaces alanine 965 with valine.
Molecular consequence: missense variant.
Genome position (GRCh38, 1-based): chr2:208,325,705, C>T. VCF-style: chr2-208325705-C-T. GRCh37 (hg19) VCF-style: chr2-209190429-C-T.
Other names: short protein forms A965V.
Identifiers: ClinVar variation 4136977 (VCV004136977.2).
Genomic context (GRCh38, chr2:208,325,705, plus strand): 5'-ATCTTCCGCAGGCTGTTGCCTCTGTGAAGCATCAAGAACATAGCACAACAGCTTGCCCGG[C>T]GGGTCTCCCTTGTGCTTTCTTTGCACCTGTACCGGAATCATTGTTGCCACTCCCTGTGGA-3'
Protein context (NP_055855.2, residues 955-975): HQEHSTTACP[Ala965Val]GLPCAFFAPV

ClinVar aggregate classification (germline): Conflicting classifications of pathogenicity. Review status: criteria provided, conflicting classifications (1 of 4 stars). 2 submissions from 2 submitters: Uncertain significance (1); Likely benign (1). Last evaluated 2025-08-01.

Conditions:
Inborn genetic diseases. Identifiers: MedGen C0950123, MeSH D030342.

Submissions (2):

Ambry Genetics
Classification: Likely benign for Inborn genetic diseases. Last evaluated: 2025-08-01. Review status: criteria provided, single submitter. Criteria: Ambry Variant Classification Scheme 2023. Collection method: clinical testing. Allele origin: germline.

Labcorp Genetics (formerly Invitae), Labcorp
Classification: Uncertain significance. Last evaluated: 2025-07-11. Review status: criteria provided, single submitter. Criteria: Invitae Variant Classification Sherloc (09022015). Collection method: clinical testing. Allele origin: germline.
Comment: This sequence change replaces alanine, which is neutral and non-polar, with valine, which is neutral and non-polar, at codon 965 of the PIKFYVE protein (p.Ala965Val). This variant is present in population databases (rs778992683, gnomAD 0.006%). This variant has not been reported in the literature in individuals affected with PIKFYVE-related conditions. An algorithm developed to predict the effect of missense changes on protein structure and function outputs the following: PolyPhen-2: "Benign". The valine amino acid residue is found in multiple mammalian species, which suggests that this missense change does not adversely affect protein function. In summary, the available evidence is currently insufficient to determine the role of this variant in disease. Therefore, it has been classified as a Variant of Uncertain Significance.